The following is an entry in ClinVar:

NM_001378122.1(SH3D19):c.2657A>T (p.Glu886Val)

Gene: SH3D19 (SH3 domain containing 19; minus strand). Cytogenetic location: 4q31.3.
Variant type: single nucleotide variant.
Coding change: c.2657A>T on transcript NM_001378122.1 (MANE Select); coding-DNA position 2657, A replaced by T.
Protein change: p.Glu886Val; replaces glutamic acid 886 with valine.
Molecular consequence: missense variant.
Genome position (GRCh38, 1-based): chr4:151,133,066, T>A on the plus strand (A>T on the coding strand, the complement: SH3D19 is on the minus strand). VCF-style: chr4-151133066-T-A. GRCh37 (hg19) VCF-style: chr4-152054218-T-A.
Other names: c.1886A>T, p.Glu629Val (NM_001009555.4, NM_001378126.1, NM_001378127.1); c.1817A>T, p.Glu606Val (NM_001128923.2, NM_001243349.2, NM_001378128.1 and 3 more transcripts); c.1709A>T, p.Glu570Val (NM_001128924.2); c.2726A>T, p.Glu909Val (NM_001378121.1); c.2549A>T, p.Glu850Val (NM_001378123.1); c.2480A>T, p.Glu827Val (NM_001378124.1); short protein forms E570V, E606V, E629V, E827V, E850V, E886V, E909V.
Identifiers: ClinVar variation 3057905 (VCV003057905.2), dbSNP rs192063486, ClinGen allele CA3104462.

ClinVar aggregate classification (germline): Likely benign (0 of 4 stars; one submission).

Conditions:
SH3D19-related disorder. Also called: SH3D19-related condition.

Allele frequency attached by ClinVar (database versions not stated): gnomAD exomes 0.00009; gnomAD 0.00013; TOPMed 0.00036; ExAC 0.00044; 1000 Genomes Project 30x 0.00062; 1000 Genomes Project 0.00080.
gnomAD v4.1: 160 of 1,614,068 alleles (0.0099%); highest among the groups gnomAD compares: East Asian, 0.25%; no homozygotes.

Submission:

PreventionGenetics, part of Exact Sciences
Classification: Likely benign for SH3D19-related condition. Last evaluated: 2021-11-17. Review status: no assertion criteria provided. Collection method: clinical testing. Allele origin: germline.
Comment: This variant is classified as likely benign based on ACMG/AMP sequence variant interpretation guidelines (Richards et al. 2015 PMID: 25741868, with internal and published modifications).